The following is an entry in ClinVar:

ClinVar aggregate classification (germline): Uncertain significance (1 of 4 stars; one submission).

Conditions:
Cardiovascular phenotype. Identifiers: MedGen CN230736.

Submission:

Ambry Genetics
Classification: Uncertain significance for Cardiovascular phenotype. Last evaluated: 2024-12-17. Review status: criteria provided, single submitter. Criteria: Ambry Variant Classification Scheme 2023. Collection method: clinical testing. Allele origin: germline.
Comment: The p.Y121H variant (also known as c.361T>C), located in coding exon 2 of the CAV3 gene, results from a T to C substitution at nucleotide position 361. The tyrosine at codon 121 is replaced by histidine, an amino acid with similar properties. This amino acid position is conserved. In addition, this alteration is predicted to be deleterious by in silico analysis. Based on the available evidence, the clinical significance of this variant remains unclear.

NM_033337.3(CAV3):c.361T>C (p.Tyr121His)

Genes: CAV3 (caveolin 3; plus strand), OXTR (oxytocin receptor; minus strand). Cytogenetic location: 3p25.3.
Variant type: single nucleotide variant.
Coding change: c.361T>C on transcript NM_033337.3 (MANE Select); coding-DNA position 361, T replaced by C.
Protein change: p.Tyr121His; replaces tyrosine 121 with histidine.
Molecular consequence: missense variant.
Genome position (GRCh38, 1-based): chr3:8,745,772, T>C. VCF-style: chr3-8745772-T-C. GRCh37 (hg19) VCF-style: chr3-8787458-T-C.
Other names: c.361T>C, p.Tyr121His (NM_001234.5); short protein forms Y121H.
Identifiers: ClinVar variation 3827739 (VCV003827739.1).